The following is an entry in ClinVar:

ClinVar aggregate classification (germline): Uncertain significance (1 of 4 stars; one submission).

Conditions:
Joubert syndrome. Also called: CEREBELLOPARENCHYMAL DISORDER IV; JOUBERT-BOLTSHAUSER SYNDROME; Familial aplasia of the vermis. Identifiers: Orphanet 475, MedGen C5979921, MONDO:0018772.
Meckel-Gruber syndrome. Also called: DYSENCEPHALIA SPLANCHNOCYSTICA; GRUBER SYNDROME; Dysencephalia splachnocystica. Identifiers: Orphanet 564, MedGen C0265215, MONDO:0018921.

Allele frequency attached by ClinVar (database versions not stated): TOPMed 0.00001 and 0.00002; gnomAD 0.00003; gnomAD exomes 0.00003; ExAC 0.00004.

Submission:

Labcorp Genetics (formerly Invitae), Labcorp
Classification: Uncertain significance for Joubert syndrome; Meckel-Gruber syndrome. Last evaluated: 2022-07-27. Review status: criteria provided, single submitter. Criteria: Invitae Variant Classification Sherloc (09022015). Collection method: clinical testing. Allele origin: germline.
Comment: In summary, the available evidence is currently insufficient to determine the role of this variant in disease. Therefore, it has been classified as a Variant of Uncertain Significance. Algorithms developed to predict the effect of missense changes on protein structure and function are either unavailable or do not agree on the potential impact of this missense change (SIFT: "Deleterious"; PolyPhen-2: "Probably Damaging"; Align-GVGD: "Class C0"). This variant has not been reported in the literature in individuals affected with B9D2-related conditions. The frequency data for this variant in the population databases is considered unreliable, as metrics indicate poor data quality at this position in the gnomAD database. This sequence change replaces arginine, which is basic and polar, with histidine, which is basic and polar, at codon 88 of the B9D2 protein (p.Arg88His).

NM_030578.4(B9D2):c.263G>A (p.Arg88His)

Gene: B9D2 (B9 domain containing 2; minus strand). Cytogenetic location: 19q13.2.
Variant type: single nucleotide variant.
Coding change: c.263G>A on transcript NM_030578.4 (MANE Select); coding-DNA position 263, G replaced by A.
Protein change: p.Arg88His; replaces arginine 88 with histidine.
Molecular consequence: missense variant.
Genome position (GRCh38, 1-based): chr19:41,354,965, C>T on the plus strand (G>A on the coding strand, the complement: B9D2 is on the minus strand). VCF-style: chr19-41354965-C-T. GRCh37 (hg19) VCF-style: chr19-41860870-C-T.
Other names: short protein forms R88H.
Identifiers: ClinVar variation 2140190 (VCV002140190.2), dbSNP rs748803301, ClinGen allele CA9460292.
Genomic context (GRCh38, chr19:41,354,965, plus strand): 5'-AGCTGGTGGGTGCCCGGGCTACTGGGCACATGGCAAAATCCATAGCCTGCAAGCTGGCAG[C>T]GGCCAAAGCTGTCCTGGGACCACACCTGGAAATGGAGCCGGGGCCAGCCTGCAGGAAAGG-3'
Protein context (NP_085055.2, residues 78-98): FQVWSQDSFG[Arg88His]CQLAGYGFCH